The following is an entry in ClinVar:

NM_005765.3(ATP6AP2):c.857C>T (p.Ala286Val)

Gene: ATP6AP2 (ATPase H+ transporting accessory protein 2; plus strand). Cytogenetic location: Xp11.4.
Variant type: single nucleotide variant.
Coding change: c.857C>T on transcript NM_005765.3 (MANE Select); coding-DNA position 857, C replaced by T.
Protein change: p.Ala286Val; replaces alanine 286 with valine.
Molecular consequence: missense variant.
Genome position (GRCh38, 1-based): chrX:40,600,880, C>T. VCF-style: chrX-40600880-C-T. GRCh37 (hg19) VCF-style: chrX-40460132-C-T.
Other names: short protein forms A286V.
Identifiers: ClinVar variation 2696200 (VCV002696200.3), dbSNP rs769027148, ClinGen allele CA10387278.
Genomic context (GRCh38, chrX:40,600,880, plus strand): 5'-TCAAGTCATTTGACACCTCCCTCATTAGGAAGACAAGGACTATCCTTGAGGCAAAACAAG[C>T]GGTGAGTATATTTTGAGATCCTGCTTTAAAACTGTAAAATTAACTTCTTATAAAAAAAAA-3'
Protein context (NP_005756.2, residues 276-296): KTRTILEAKQ[Ala286Val]KNPASPYNLA

ClinVar aggregate classification (germline): Uncertain significance (1 of 4 stars; one submission).

Conditions:
Intellectual developmental disorder, X-linked, syndromic, Hedera type. Also called: Syndromic X-linked intellectual disability Hedera type. Identifiers: Orphanet 93952, MedGen C1845543, MONDO:0010319, OMIM 300423.

Allele frequency attached by ClinVar (database versions not stated): ExAC 0.00002; gnomAD 0.00002; TOPMed 0.00002; gnomAD exomes 0.00003.

Submission:

Labcorp Genetics (formerly Invitae), Labcorp
Classification: Uncertain significance for Intellectual developmental disorder, X-linked, syndromic, Hedera type. Last evaluated: 2025-07-08. Review status: criteria provided, single submitter. Criteria: Invitae Variant Classification Sherloc (09022015). Collection method: clinical testing. Allele origin: germline.
Comment: This sequence change replaces alanine, which is neutral and non-polar, with valine, which is neutral and non-polar, at codon 286 of the ATP6AP2 protein (p.Ala286Val). This variant is present in population databases (rs769027148, gnomAD 0.008%). This variant has not been reported in the literature in individuals affected with ATP6AP2-related conditions. ClinVar contains an entry for this variant (Variation ID: 2696200). An algorithm developed to predict the effect of missense changes on protein structure and function outputs the following: PolyPhen-2: "Benign". The valine amino acid residue is found in multiple mammalian species, which suggests that this missense change does not adversely affect protein function. In summary, the available evidence is currently insufficient to determine the role of this variant in disease. Therefore, it has been classified as a Variant of Uncertain Significance.